The following is an entry in ClinVar:

NM_004973.4(JARID2):c.433_435dup (p.Ser145_Asp146insSer)

Gene: JARID2 (jumonji and AT-rich interaction domain containing 2; plus strand). Cytogenetic location: 6p22.3.
Variant type: Duplication.
Coding change: c.433_435dup on transcript NM_004973.4 (MANE Select); coding-DNA positions 433 to 435, 3 bases duplicated (TCA; older notation c.433_435dupTCA).
Protein change: p.Ser145_Asp146insSer.
Molecular consequence: inframe insertion. On other transcripts: 5 prime UTR variant (1).
Genome position (GRCh38, 1-based): chr6:15,452,115-15,452,117, TCA duplicated; duplicating any 3 consecutive bases within chr6:15,452,114-15,452,117 gives the same sequence; the c. name uses the placement nearest the transcript's 3' end. VCF-style (leftmost placement, unchanged base first): chr6-15452113-T-TATC. GRCh37 (hg19) VCF-style: chr6-15452344-T-TATC.
Other names: c.-84_-82dup (NM_001267040.1).
Identifiers: ClinVar variation 4532018 (VCV004532018.1).

ClinVar aggregate classification (germline): Uncertain significance (1 of 4 stars; one submission).

Conditions:
Developmental delay with variable intellectual disability and dysmorphic facies. Identifiers: MedGen C5774242, MONDO:0859306, OMIM 620098.

Submission:

Victorian Clinical Genetics Services, Murdoch Childrens Research Institute
Classification: Uncertain significance for Developmental delay with variable intellectual disability and dysmorphic facies. Last evaluated: 2025-03-21. Review status: criteria provided, single submitter. Criteria: ACMG Guidelines, 2015. Collection method: clinical testing. Allele origin: germline. Affected: yes.
Comment: This variant is classified as VUS-3B. Evidence in support of pathogenic classification: In-frame insertion/deletion in a non-repetitive region that has high conservation; Variant is absent from gnomAD (v2, v3 and v4). Additional information: This variant is heterozygous; This gene is associated with autosomal dominant disease; This variant has no previous evidence of pathogenicity; No published segregation evidence has been identified for this variant; No published functional evidence has been identified for this variant; No comparable duplication variants have previous evidence for pathogenicity; Variant is not located in an established domain, motif, hotspot or informative constraint region; Loss of function is a known mechanism of disease in this gene and is associated with developmental delay with variable intellectual disability and dysmorphic facies (MIM#620098); Variants in this gene are known to have variable expressivity (OMIM); Inheritance information for this variant is not currently available in this individual.